The following is an entry in ClinVar:

NM_000540.3(RYR1):c.3828G>A (p.Trp1276Ter)

Gene: RYR1 (ryanodine receptor 1; plus strand). Cytogenetic location: 19q13.2.
Variant type: single nucleotide variant.
Coding change: c.3828G>A on transcript NM_000540.3 (MANE Select); coding-DNA position 3828, G replaced by A.
Protein change: p.Trp1276Ter; replaces tryptophan 1276 with a stop codon.
Molecular consequence: nonsense.
Genome position (GRCh38, 1-based): chr19:38,473,439, G>A. VCF-style: chr19-38473439-G-A. GRCh37 (hg19) VCF-style: chr19-38964079-G-A.
Other names: c.3828G>A, p.Trp1276Ter (NM_001042723.2); short protein forms W1276*.
Identifiers: ClinVar variation 1354564 (VCV001354564.6), dbSNP rs2145482955, ClinGen allele CA405641605.

ClinVar aggregate classification (germline): Pathogenic (1 of 4 stars; one submission).

Conditions:
RYR1-related disorder. Also called: RYR1-related condition; RYR1-related disorders. Identifiers: MedGen CN239331.

Submission:

Labcorp Genetics (formerly Invitae), Labcorp
Classification: Pathogenic for RYR1-related disorder. Last evaluated: 2022-03-08. Review status: criteria provided, single submitter. Criteria: Invitae Variant Classification Sherloc (09022015). Collection method: clinical testing. Allele origin: germline.
Comment: For these reasons, this variant has been classified as Pathogenic. This variant has not been reported in the literature in individuals affected with RYR1-related conditions. This variant is not present in population databases (gnomAD no frequency). This sequence change creates a premature translational stop signal (p.Trp1276*) in the RYR1 gene. It is expected to result in an absent or disrupted protein product. Loss-of-function variants in RYR1 are known to be pathogenic (PMID: 20583297, 20839240, 23919265, 28818389).

Literature cited by the submitters: PubMed 20583297; PubMed 20839240; PubMed 23919265; PubMed 28818389.